The following is an entry in ClinVar:

ClinVar aggregate classification (germline): Benign (0 of 4 stars; one submission).

Conditions:
ZPBP-related disorder. Also called: ZPBP-related condition.

Allele frequency attached by ClinVar (database versions not stated): 1000 Genomes Project 0.00978; 1000 Genomes Project 30x 0.01093.
gnomAD v4.1: 2,210 of 1,580,458 alleles (0.14%); highest among the groups gnomAD compares: East Asian, 4.7%; 43 homozygotes.

Submission:

PreventionGenetics, part of Exact Sciences
Classification: Benign for ZPBP-related condition. Last evaluated: 2019-08-21. Review status: no assertion criteria provided. Collection method: clinical testing. Allele origin: germline.
Comment: This variant is classified as benign based on ACMG/AMP sequence variant interpretation guidelines (Richards et al. 2015 PMID: 25741868, with internal and published modifications).

NM_007009.3(ZPBP):c.74G>C (p.Arg25Pro)

Gene: ZPBP (zona pellucida binding protein; minus strand). Cytogenetic location: 7p12.2.
Variant type: single nucleotide variant.
Coding change: c.74G>C on transcript NM_007009.3 (MANE Select); coding-DNA position 74, G replaced by C.
Protein change: p.Arg25Pro; replaces arginine 25 with proline.
Molecular consequence: missense variant.
Genome position (GRCh38, 1-based): chr7:50,093,121, C>G on the plus strand (G>C on the coding strand, the complement: ZPBP is on the minus strand). VCF-style: chr7-50093121-C-G. GRCh37 (hg19) VCF-style: chr7-50132717-C-G.
Other names: c.74G>C, p.Arg25Pro (NM_001159878.2); short protein forms R25P.
Identifiers: ClinVar variation 3044430 (VCV003044430.2), dbSNP rs61696422, ClinGen allele CA4260978.